The following is an entry in ClinVar:

NM_032271.3(TRAF7):c.1347-1G>C

Gene: TRAF7 (TNF receptor associated factor 7; plus strand). Cytogenetic location: 16p13.3.
Variant type: single nucleotide variant.
Coding change: c.1347-1G>C on transcript NM_032271.3 (MANE Select); the canonical splice acceptor site of the intron before coding-DNA position 1347, G replaced by C.
Molecular consequence: splice acceptor variant.
Genome position (GRCh38, 1-based): chr16:2,175,110, G>C. VCF-style: chr16-2175110-G-C. GRCh37 (hg19) VCF-style: chr16-2225111-G-C.
Identifiers: ClinVar variation 1030022 (VCV001030022.1), dbSNP rs2093130178, ClinGen allele CA394329795.

ClinVar aggregate classification (germline): Uncertain significance (1 of 4 stars; one submission).

Conditions:
Cardiac, facial, and digital anomalies with developmental delay. Identifiers: Orphanet 592570, MedGen C4748484, MONDO:0032572, OMIM 618164.

Submission:

Baylor Genetics
Classification: Uncertain significance for Cardiac, facial, and digital anomalies with developmental delay. Last evaluated: 2020-06-08. Review status: criteria provided, single submitter. Criteria: ACMG Guidelines, 2015. Collection method: clinical testing. Allele origin: unknown. Affected: yes.
Comment: This variant was determined to be of uncertain significance according to ACMG Guidelines, 2015 [PMID:25741868].